The following is an entry in ClinVar:

NM_006231.4(POLE):c.588G>T (p.Gln196His)

Gene: POLE (DNA polymerase epsilon, catalytic subunit; minus strand). Cytogenetic location: 12q24.33.
Variant type: single nucleotide variant.
Coding change: c.588G>T on transcript NM_006231.4 (MANE Select); coding-DNA position 588, G replaced by T.
Protein change: p.Gln196His; replaces glutamine 196 with histidine.
Molecular consequence: missense variant.
Genome position (GRCh38, 1-based): chr12:132,677,710, C>A on the plus strand (G>T on the coding strand, the complement: POLE is on the minus strand). VCF-style: chr12-132677710-C-A. GRCh37 (hg19) VCF-style: chr12-133254296-C-A.
Other names: short protein forms Q196H.
Identifiers: ClinVar variation 240577 (VCV000240577.14), dbSNP rs878854886, ClinGen allele CA10583029.
Genomic context (GRCh38, chr12:132,677,710, plus strand): 5'-GTCCAACTGGTCAGCTATCTTCTTAGAGGTTTCCTCTTCATCAGTAATGACACCGCCCCT[C>A]TGCAGAACACTAGGAATTAACAAGAGAGCAACTAACTCAGCTGCCAGGGTCTGGAGGAGG-3'
Protein context (NP_006222.2, residues 186-206): AYTALLSSVL[Gln196His]RGGVITDEEE

ClinVar aggregate classification (germline): Uncertain significance. Review status: criteria provided, multiple submitters, no conflicts (2 of 4 stars). 4 submissions from 4 submitters: Uncertain significance (4). Last evaluated 2025-12-16.

Conditions:
Hereditary cancer-predisposing syndrome. Also called: Tumor predisposition; Neoplastic Syndromes, Hereditary; Hereditary Cancer Syndrome; Hereditary neoplastic syndrome. Identifiers: Orphanet 140162, MedGen C0027672, MeSH D009386, MONDO:0015356.

Allele frequency attached by ClinVar (database versions not stated): gnomAD 0.00001; TOPMed 0.00001.
gnomAD v4.1: 5 of 1,613,944 alleles (0.00031%); highest among the groups gnomAD compares: Non-Finnish European, 0.00042%; no homozygotes.

Submissions (4):

Labcorp Genetics (formerly Invitae), Labcorp
Classification: Uncertain significance. Last evaluated: 2025-12-16. Review status: criteria provided, single submitter. Criteria: Invitae Variant Classification Sherloc (09022015). Collection method: clinical testing. Allele origin: germline.
Comment: This sequence change replaces glutamine, which is neutral and polar, with histidine, which is basic and polar, at codon 196 of the POLE protein (p.Gln196His). RNA analysis indicates that this missense change induces altered splicing and likely results in the loss of 4 amino acid residue(s), but is expected to preserve the integrity of the reading-frame. This variant is not present in population databases (gnomAD no frequency). This variant has not been reported in the literature in individuals affected with POLE-related conditions. ClinVar contains an entry for this variant (Variation ID: 240577). Invitae Evidence Modeling of protein sequence and biophysical properties (such as structural, functional, and spatial information, amino acid conservation, physicochemical variation, residue mobility, and thermodynamic stability) indicates that this missense variant is not expected to disrupt POLE protein function with a negative predictive value of 80%. Studies have shown that this missense change results in the activation of a cryptic splice site in exon 7 (internal data). In summary, the available evidence is currently insufficient to determine the role of this variant in disease. Therefore, it has been classified as a Variant of Uncertain Significance.

Ambry Genetics
Classification: Uncertain significance for Hereditary cancer-predisposing syndrome. Last evaluated: 2025-01-13. Review status: criteria provided, single submitter. Criteria: Ambry Variant Classification Scheme 2023. Collection method: clinical testing. Allele origin: germline.
Comment: The p.Q196H variant (also known as c.588G>T), located in coding exon 7 of the POLE gene, results from a G to T substitution at nucleotide position 588. The glutamine at codon 196 is replaced by histidine, an amino acid with highly similar properties. This nucleotide position is poorly conserved in available vertebrate species. In silico analysis predicts that this alteration will result in the creation or strengthening of a novel splice acceptor site. RNA studies have demonstrated that this alteration results in a transcript predicted to lead to a protein with an in-frame deletion of 4 amino acids; however, the exact functional impact of the deleted amino acids is unknown at this time (Ambry internal data). Based on the available evidence, the clinical significance of this variant remains unclear.

GeneDx
Classification: Uncertain significance. Last evaluated: 2021-05-26. Review status: criteria provided, single submitter. Criteria: GeneDx Variant Classification Process June 2021. Collection method: clinical testing. Allele origin: germline. Affected: yes.
Comment: Not observed in large population cohorts (Lek 2016); In silico analysis supports that this missense variant does not alter protein structure/function; Has not been previously published as pathogenic or benign to our knowledge; This variant is associated with the following publications: (PMID: 29056344)

Genetic Services Laboratory, University of Chicago
Classification: Uncertain significance. Last evaluated: 2020-04-22. Review status: criteria provided, single submitter. Criteria: ACMG Guidelines, 2015. Collection method: clinical testing. Allele origin: germline. Affected: no.
Comment: DNA sequence analysis of the POLE gene demonstrated a sequence change, c.588G>T, in exon 7 that results in an amino acid change, p.Gln196His. This sequence change does not appear to have been previously described in patients with POLE-related disorders and has also not been described in population databases (gnomAD, ExAC). The p.Gln196His change affects a poorly conserved amino acid residue located in a domain of the POLE protein that is known to be functional. The p.Gln196His substitution appears to be benign using several in-silico pathogenicity prediction tools (SIFT, PolyPhen2, Align GVGD, REVEL). Due to these contrasting evidences and the lack of functional studies, the clinical significance of the p.Gln196His change remains unknown at this time.